The following is an entry in ClinVar:

NM_005515.4(MNX1):c.870G>A (p.Gln290=)

Gene: MNX1 (motor neuron and pancreas homeobox 1; minus strand). Cytogenetic location: 7q36.3.
Variant type: single nucleotide variant.
Coding change: c.870G>A on transcript NM_005515.4 (MANE Select); coding-DNA position 870, G replaced by A.
Protein change: p.Gln290=; no amino-acid change (glutamine 290 retained).
Molecular consequence: synonymous variant.
Genome position (GRCh38, 1-based): chr7:157,005,856, C>T on the plus strand (G>A on the coding strand, the complement: MNX1 is on the minus strand). VCF-style: chr7-157005856-C-T. GRCh37 (hg19) VCF-style: chr7-156798550-C-T.
Other names: c.234G>A, p.Gln78= (NM_001165255.2); c.870G>A (NM_005515.3).
Identifiers: ClinVar variation 1409164 (VCV001409164.10), dbSNP rs774179857, ClinGen allele CA4589162.

ClinVar aggregate classification (germline): Conflicting classifications of pathogenicity. Review status: criteria provided, conflicting classifications (1 of 4 stars). 3 submissions from 3 submitters: Uncertain significance (2); Likely benign (1). Last evaluated 2025-08-05.

Conditions:
Inborn genetic diseases. Identifiers: MedGen C0950123, MeSH D030342.
Currarino triad. Identifiers: Orphanet 1552, MedGen C1531773, MONDO:0008305, OMIM 176450.

Allele frequency attached by ClinVar (database versions not stated): ExAC 0.00001; gnomAD 0.00001; gnomAD exomes 0.00001; TOPMed 0.00001.

Submissions (3):

Ambry Genetics
Classification: Likely benign for Inborn genetic diseases. Last evaluated: 2025-08-05. Review status: criteria provided, single submitter. Criteria: Ambry Variant Classification Scheme 2023. Collection method: clinical testing. Allele origin: germline.

Fulgent Genetics
Classification: Uncertain significance for Currarino triad. Last evaluated: 2024-01-16. Review status: criteria provided, single submitter. Criteria: ACMG Guidelines, 2015. Collection method: clinical testing. Allele origin: germline.

Labcorp Genetics (formerly Invitae), Labcorp
Classification: Uncertain significance. Last evaluated: 2022-02-08. Review status: criteria provided, single submitter. Criteria: Invitae Variant Classification Sherloc (09022015). Collection method: clinical testing. Allele origin: germline.
Comment: This variant is present in population databases (rs774179857, gnomAD 0.003%). In summary, the available evidence is currently insufficient to determine the role of this variant in disease. Therefore, it has been classified as a Variant of Uncertain Significance. Algorithms developed to predict the effect of sequence changes on RNA splicing suggest that this variant is not likely to affect RNA splicing. This variant has been observed in individual(s) with clinical features of Currarino syndrome (PMID: 24095820). This sequence change affects codon 290 of the MNX1 mRNA. It is a 'silent' change, meaning that it does not change the encoded amino acid sequence of the MNX1 protein.

Literature cited by the submitters: PubMed 24095820 (cited by Labcorp Genetics (formerly Invitae), Labcorp).